The following is an entry in ClinVar:

ClinVar aggregate classification (germline): Likely benign. Review status: criteria provided, multiple submitters, no conflicts (2 of 4 stars). 3 submissions from 3 submitters: Likely benign (3). Last evaluated 2025-12-06.

Conditions:
Familial thoracic aortic aneurysm and aortic dissection (TAAD). Also called: Thoracic aortic aneurysms and dissections. Identifiers: Orphanet 91387, MedGen C4707243, MONDO:0019625.
HYPERHOMOCYSTEINEMIA, THROMBOTIC, CBS-RELATED. Identifiers: MedGen C3150344, OMIM 236200.

Allele frequency attached by ClinVar (database versions not stated): gnomAD exomes 0.00001; ExAC 0.00002; ESP Exome Variant Server 0.00008.

Submissions (3):

Labcorp Genetics (formerly Invitae), Labcorp
Classification: Likely benign for HYPERHOMOCYSTEINEMIA, THROMBOTIC, CBS-RELATED. Last evaluated: 2025-12-06. Review status: criteria provided, single submitter. Criteria: Invitae Variant Classification Sherloc (09022015). Collection method: clinical testing. Allele origin: germline.

Mayo Clinic Laboratories, Mayo Clinic
Classification: Likely benign. Last evaluated: 2025-03-10. Review status: criteria provided, single submitter. Criteria: ACMG Guidelines, 2015. Collection method: clinical testing. Allele origin: germline. Observed: 1 variant allele.
Comment: BP4, BP7, PM2_supporting

Ambry Genetics
Classification: Likely benign for Familial thoracic aortic aneurysm and aortic dissection. Last evaluated: 2020-05-01. Review status: criteria provided, single submitter. Criteria: Ambry Variant Classification Scheme 2023. Collection method: clinical testing. Allele origin: germline.

NM_000071.3(CBS):c.72G>A (p.Ala24=)

Gene: CBS (cystathionine beta-synthase; minus strand). Cytogenetic location: 21q22.3.
Variant type: single nucleotide variant.
Coding change: c.72G>A on transcript NM_000071.3 (MANE Select); coding-DNA position 72, G replaced by A.
Protein change: p.Ala24=; no amino-acid change (alanine 24 retained).
Molecular consequence: synonymous variant.
Genome position (GRCh38, 1-based): chr21:43,072,122, C>T on the plus strand (G>A on the coding strand, the complement: CBS is on the minus strand). VCF-style: chr21-43072122-C-T. GRCh37 (hg19) VCF-style: chr21-44492232-C-T.
Other names: p.Ala24=; c.72G>A, p.Ala24= (NM_001178008.3, NM_001178009.3, NM_001320298.2).
Identifiers: ClinVar variation 538705 (VCV000538705.16), dbSNP rs145466242, ClinGen allele CA321104044.